The following is an entry in ClinVar:

NM_001115116.2(ANKRD53):c.885C>T (p.Asn295=)

Gene: ANKRD53 (ankyrin repeat domain 53; plus strand). Cytogenetic location: 2p13.3.
Variant type: single nucleotide variant.
Coding change: c.885C>T on transcript NM_001115116.2 (MANE Select); coding-DNA position 885, C replaced by T.
Protein change: p.Asn295=; no amino-acid change (asparagine 295 retained).
Molecular consequence: synonymous variant.
Genome position (GRCh38, 1-based): chr2:70,982,679, C>T. VCF-style: chr2-70982679-C-T. GRCh37 (hg19) VCF-style: chr2-71209809-C-T.
Other names: c.783C>T, p.Asn261= (NM_001369683.1); c.885C>T, p.Asn295= (NM_024933.4).
Identifiers: ClinVar variation 2651018 (VCV002651018.24), dbSNP rs1160592371, ClinGen allele CA426673859.

ClinVar aggregate classification (germline): Likely benign (1 of 4 stars; one submission).

Allele frequency attached by ClinVar (database versions not stated): gnomAD exomes below 0.00001; TOPMed below 0.00001; gnomAD 0.00001.
gnomAD v4.1: 3 of 1,614,006 alleles (0.00019%); highest among the groups gnomAD compares: Middle Eastern, 0.033%; no homozygotes.

Submission:

CeGaT Center for Human Genetics Tuebingen
Classification: Likely benign. Last evaluated: 2023-02-01. Review status: criteria provided, single submitter. Criteria: CeGaT Center For Human Genetics Tuebingen Variant Classification Criteria Version 2. Collection method: clinical testing. Allele origin: germline. Affected: yes. Observed: 1 variant allele.
Comment: ANKRD53: BP4, BP7